The following is an entry in ClinVar:

ClinVar aggregate classification (germline): Pathogenic (1 of 4 stars; one submission).

Conditions:
Neurofibromatosis, type 1 (NF1). Also called: Peripheral type neurofibromatosis; VON RECKLINGHAUSEN DISEASE; Neurofibromatosis, type I; NEUROFIBROMATOSIS, TYPE I, SOMATIC. Identifiers: Orphanet 636, MedGen C0027831, MONDO:0018975, OMIM 162200. Disease mechanism: loss of function.

Submission:

Labcorp Genetics (formerly Invitae), Labcorp
Classification: Pathogenic for Neurofibromatosis, type 1. Last evaluated: 2019-06-06. Review status: criteria provided, single submitter. Criteria: Invitae Variant Classification Sherloc (09022015). Collection method: clinical testing. Allele origin: germline.
Comment: For these reasons, this variant has been classified as Pathogenic. Loss-of-function variants in NF1 are known to be pathogenic (PMID: 10712197, 23913538). This variant has not been reported in the literature in individuals with NF1-related conditions. This variant is not present in population databases (ExAC no frequency). This sequence change creates a premature translational stop signal (p.Ala450Lysfs*24) in the NF1 gene. It is expected to result in an absent or disrupted protein product.

Literature cited by the submitters: PubMed 10712197; PubMed 23913538.

NM_001042492.3(NF1):c.1346_1347dup (p.Ala450fs)

Gene: NF1 (neurofibromin 1; plus strand). Cytogenetic location: 17q11.2.
Variant type: Duplication.
Coding change: c.1346_1347dup on transcript NM_001042492.3 (MANE Select); coding-DNA positions 1346 to 1347, 2 bases duplicated (AA; older notation c.1346_1347dupAA).
Protein change: p.Ala450fs; shifts the reading frame from alanine 450.
Molecular consequence: frameshift variant.
Genome position (GRCh38, 1-based): chr17:31,206,325-31,206,326, AA duplicated; duplicating any 2 consecutive bases within chr17:31,206,324-31,206,326 gives the same sequence; the c. name uses the placement nearest the transcript's 3' end. VCF-style (leftmost placement, unchanged base first): chr17-31206323-T-TAA. GRCh37 (hg19) VCF-style: chr17-29533341-T-TAA.
Other names: c.1346_1347dup, p.Ala450Lysfs (NM_000267.4); c.1346_1347dup, p.Ala450fs (NM_001128147.3); short protein forms A450fs.
Identifiers: ClinVar variation 937286 (VCV000937286.6), dbSNP rs2066621144, ClinGen allele CA1139665323.